The following is an entry in ClinVar:

ClinVar aggregate classification (germline): Likely benign (1 of 4 stars; one submission).

Conditions:
Fabry disease. Also called: Fabry's disease; ALPHA-GALACTOSIDASE A DEFICIENCY; ANDERSON-FABRY DISEASE; CERAMIDE TRIHEXOSIDASE DEFICIENCY; GLA DEFICIENCY; HEREDITARY DYSTOPIC LIPIDOSIS. Identifiers: Orphanet 324, MedGen C0002986, MONDO:0010526, OMIM 301500, HP:0001071. Disease mechanism: Fabry disease is due to inactivating mutations in the X-linked GLA gene resulting in deficiency of the enzyme Alpha Galactosidase-A., loss of function.

Submission:

All of Us Research Program, National Institutes of Health
Classification: Likely benign for Fabry disease. Last evaluated: 2023-03-23. Review status: criteria provided, single submitter. Criteria: ACMG Guidelines, 2015. Collection method: clinical testing. Allele origin: germline. Inheritance: X-linked inheritance. Observed: 1 variant allele, 1 heterozygote.
Comment: This study involves interpretation of variants in research participants for the purpose of population health screening. Participant phenotype was not available at the time of variant classification. Additional details can be found in publication PMID: 35346344, PMCID: PMC8962531

NM_000169.3(GLA):c.78C>T (p.Ile26=)

Genes: RPL36A-HNRNPH2 (RPL36A-HNRNPH2 readthrough; plus strand), GLA (galactosidase alpha; minus strand). Cytogenetic location: Xq22.1.
Variant type: single nucleotide variant.
Coding change: c.78C>T on transcript NM_000169.3 (MANE Select); coding-DNA position 78, C replaced by T.
Protein change: p.Ile26=; no amino-acid change (isoleucine 26 retained).
Molecular consequence: synonymous variant. On other transcripts: non-coding transcript variant (3), intron variant (2).
Genome position (GRCh38, 1-based): chrX:101,407,826, G>A on the plus strand (C>T on the coding strand, the complement: GLA is on the minus strand). VCF-style: chrX-101407826-G-A. GRCh37 (hg19) VCF-style: chrX-100662814-G-A.
Other names: c.78C>T, p.Ile26= (NM_001406747.1, NM_001406748.1, NM_001406749.1); c.301-4110G>A (NM_001199973.2); c.178-4110G>A (NM_001199974.2).
Identifiers: ClinVar variation 3069897 (VCV003069897.1), dbSNP rs869312405, ClinGen allele CA352733.